The following is an entry in ClinVar:

ClinVar aggregate classification (germline): Pathogenic. Review status: criteria provided, multiple submitters, no conflicts (2 of 4 stars). 2 submissions from 2 submitters: Pathogenic (2). Last evaluated 2018-08-28.

Conditions:
Birt-Hogg-Dube syndrome. Also called: Birt Hogg Dubé syndrome. Identifiers: Orphanet 122, MedGen C0346010, MONDO:0800444.
Hereditary cancer-predisposing syndrome. Also called: Hereditary neoplastic syndrome; Neoplastic Syndromes, Hereditary; Tumor predisposition; Hereditary Cancer Syndrome. Identifiers: Orphanet 140162, MedGen C0027672, MeSH D009386, MONDO:0015356.

Submissions (2):

Labcorp Genetics (formerly Invitae), Labcorp
Classification: Pathogenic for Birt-Hogg-Dube syndrome. Last evaluated: 2018-08-28. Review status: criteria provided, single submitter. Criteria: Invitae Variant Classification Sherloc (09022015). Collection method: clinical testing. Allele origin: germline.
Comment: Loss-of-function variants in FLCN are known to be pathogenic (PMID: 15852235). For these reasons, this variant has been classified as Pathogenic. This variant has not been reported in the literature in individuals with FLCN-related disease. ClinVar contains an entry for this variant (Variation ID: 409385). This variant is not present in population databases (ExAC no frequency). This sequence change creates a premature translational stop signal (p.Arg168Hisfs*28) in the FLCN gene. It is expected to result in an absent or disrupted protein product.

Ambry Genetics
Classification: Pathogenic for Hereditary cancer-predisposing syndrome. Last evaluated: 2015-06-23. Review status: criteria provided, single submitter. Criteria: Ambry Variant Classification Scheme 2023. Collection method: clinical testing. Allele origin: germline.
Comment: The c.503_518del16insATCAG pathogenic mutation, located in coding exon 3 of the FLCN gene, results from the deletion of 16 nucleotides and the insertion of 5 nucleotides causing a translational frameshift with a predicted alternate stop codon. Since frameshifts are typically deleterious in nature, this alteration is interpreted as a disease-causing mutation (ACMG Recommendations for Standards for Interpretation and Reporting of Sequence Variations. Revision 2007. Genet Med. 2008;10:294).

Literature cited by the submitters: PubMed 15852235 (cited by Labcorp Genetics (formerly Invitae), Labcorp).

NM_144997.7(FLCN):c.503_518delinsATCAG (p.Arg168fs)

Gene: FLCN (folliculin; minus strand). Cytogenetic location: 17p11.2.
Variant type: Indel.
Coding change: c.503_518delinsATCAG on transcript NM_144997.7 (MANE Select); coding-DNA positions 503 to 518, GCTGGTACAGCATCAT replaced by ATCAG.
Protein change: p.Arg168fs; shifts the reading frame from arginine 168.
Molecular consequence: frameshift variant.
Genome position (GRCh38, 1-based): chr17:17,224,022-17,224,037, ATGATGCTGTACCAGC replaced by CTGAT on the plus strand (GCTGGTACAGCATCAT replaced by ATCAG on the coding strand, the reverse complement: FLCN is on the minus strand). VCF-style: chr17-17224022-ATGATGCTGTACCAGC-CTGAT. GRCh37 (hg19) VCF-style: chr17-17127336-ATGATGCTGTACCAGC-CTGAT.
Other names: c.503_518del16insATCAG (LRG_325t1); c.557_572delinsATCAG, p.Arg186fs (NM_001353229.2); c.503_518delinsATCAG, p.Arg168fs (NM_001353230.2, NM_001353231.2, NM_144606.7); short protein forms R168fs, R186fs.
Identifiers: ClinVar variation 409385 (VCV000409385.11), dbSNP rs1064792959, ClinGen allele CA16615530.